The following is an entry in ClinVar:

ClinVar aggregate classification (germline): Uncertain significance (1 of 4 stars; one submission).

Submission:

Labcorp Genetics (formerly Invitae), Labcorp
Classification: Uncertain significance. Last evaluated: 2023-07-17. Review status: criteria provided, single submitter. Criteria: Invitae Variant Classification Sherloc (09022015). Collection method: clinical testing. Allele origin: germline.
Comment: In summary, the available evidence is currently insufficient to determine the role of this variant in disease. Therefore, it has been classified as a Variant of Uncertain Significance. Variants that disrupt the consensus splice site are a relatively common cause of aberrant splicing (PMID: 17576681, 9536098). Algorithms developed to predict the effect of sequence changes on RNA splicing suggest that this variant may disrupt the consensus splice site. ClinVar contains an entry for this variant (Variation ID: 1474625). This variant has not been reported in the literature in individuals affected with LAMB3-related conditions. This variant is not present in population databases (gnomAD no frequency). This sequence change falls in intron 2 of the LAMB3 gene. It does not directly change the encoded amino acid sequence of the LAMB3 protein. It affects a nucleotide within the consensus splice site.

Literature cited by the submitters: PubMed 17576681; PubMed 9536098.

NM_000228.3(LAMB3):c.28+4A>C

Gene: LAMB3 (laminin subunit beta 3; minus strand). Cytogenetic location: 1q32.2.
Variant type: single nucleotide variant.
Coding change: c.28+4A>C on transcript NM_000228.3 (MANE Select); 4 bases into the intron after coding-DNA position 28, A replaced by C.
Molecular consequence: intron variant.
Genome position (GRCh38, 1-based): chr1:209,650,913, T>G on the plus strand (A>C on the coding strand, the complement: LAMB3 is on the minus strand). VCF-style: chr1-209650913-T-G. GRCh37 (hg19) VCF-style: chr1-209824258-T-G.
Other names: c.28+4A>C (NM_001127641.1, NM_001017402.2).
Identifiers: ClinVar variation 1474625 (VCV001474625.6), dbSNP rs2102467676, ClinGen allele CA2573131524.
Genomic context (GRCh38, chr1:209,650,913, plus strand): 5'-CTCCCTGTGGCTGTTGCCTCCCTGCCATATAACAGGGCCTGGAAGGATGGGAAGGGGTAC[T>G]TACCAAAACACAAGAGGAAGAATGGTCTCATCTTCAGCCAATGGGGTGATCCCCAGAAAG-3'